The following is an entry in ClinVar:

ClinVar aggregate classification (germline): Uncertain significance. Review status: criteria provided, multiple submitters, no conflicts (2 of 4 stars). 3 submissions from 3 submitters: Uncertain significance (3). Last evaluated 2025-08-19.

Conditions:
Lethal multiple pterygium syndrome (LMPS). Identifiers: Orphanet 33108, MedGen C1854678, MONDO:0009668, OMIM 253290.
Inborn genetic diseases. Identifiers: MedGen C0950123, MeSH D030342.

Allele frequency attached by ClinVar (database versions not stated): ExAC 0.00006; ESP Exome Variant Server 0.00008; TOPMed 0.00010; gnomAD 0.00013 and 0.00014; 1000 Genomes Project 0.00040; 1000 Genomes Project 30x 0.00047.
gnomAD v4.1: 46 of 1,613,894 alleles (0.0029%); highest among the groups gnomAD compares: African/African-American, 0.043%; no homozygotes.

Submissions (3):

Ambry Genetics
Classification: Uncertain significance for Inborn genetic diseases. Last evaluated: 2025-08-19. Review status: criteria provided, single submitter. Criteria: Ambry Variant Classification Scheme 2023. Collection method: clinical testing. Allele origin: germline.

Labcorp Genetics (formerly Invitae), Labcorp
Classification: Uncertain significance for Lethal multiple pterygium syndrome. Last evaluated: 2024-09-23. Review status: criteria provided, single submitter. Criteria: Invitae Variant Classification Sherloc (09022015). Collection method: clinical testing. Allele origin: germline.
Comment: This sequence change replaces aspartic acid, which is acidic and polar, with asparagine, which is neutral and polar, at codon 183 of the CHRNA1 protein (p.Asp183Asn). This variant is present in population databases (rs145421881, gnomAD 0.04%). This variant has not been reported in the literature in individuals affected with CHRNA1-related conditions. ClinVar contains an entry for this variant (Variation ID: 940216). Invitae Evidence Modeling of protein sequence and biophysical properties (such as structural, functional, and spatial information, amino acid conservation, physicochemical variation, residue mobility, and thermodynamic stability) indicates that this missense variant is not expected to disrupt CHRNA1 protein function with a negative predictive value of 80%. In summary, the available evidence is currently insufficient to determine the role of this variant in disease. Therefore, it has been classified as a Variant of Uncertain Significance.

Revvity Omics, Revvity
Classification: Uncertain significance. Last evaluated: 2024-03-14. Review status: criteria provided, single submitter. Criteria: ACMG Guidelines, 2015. Collection method: clinical testing. Allele origin: germline.

NM_000079.4(CHRNA1):c.547G>A (p.Asp183Asn)

Gene: CHRNA1 (cholinergic receptor nicotinic alpha 1 subunit; minus strand). Cytogenetic location: 2q31.1.
Variant type: single nucleotide variant.
Coding change: c.547G>A on transcript NM_000079.4 (MANE Select); coding-DNA position 547, G replaced by A.
Protein change: p.Asp183Asn; replaces aspartic acid 183 with asparagine.
Molecular consequence: missense variant.
Genome position (GRCh38, 1-based): chr2:174,753,734, C>T on the plus strand (G>A on the coding strand, the complement: CHRNA1 is on the minus strand). VCF-style: chr2-174753734-C-T. GRCh37 (hg19) VCF-style: chr2-175618462-C-T.
Other names: c.622G>A, p.Asp208Asn (NM_001039523.3); short protein forms D208N, D183N.
Identifiers: ClinVar variation 940216 (VCV000940216.12), dbSNP rs145421881, ClinGen allele CA1974520.